The following is an entry in ClinVar:

NM_018684.4(ZC4H2):c.622G>A (p.Ala208Thr)

Gene: ZC4H2 (zinc finger C4H2-type containing; minus strand). Cytogenetic location: Xq11.2.
Variant type: single nucleotide variant.
Coding change: c.622G>A on transcript NM_018684.4 (MANE Select); coding-DNA position 622, G replaced by A.
Protein change: p.Ala208Thr; replaces alanine 208 with threonine.
Molecular consequence: missense variant. On other transcripts: synonymous variant (1), non-coding transcript variant (1).
Genome position (GRCh38, 1-based): chrX:64,917,836, C>T on the plus strand (G>A on the coding strand, the complement: ZC4H2 is on the minus strand). VCF-style: chrX-64917836-C-T. GRCh37 (hg19) VCF-style: chrX-64137716-C-T.
Other names: c.553G>A, p.Ala185Thr (NM_001178032.3, NM_001243804.2); c.459G>A, p.Arg153= (NM_001178033.3); short protein forms A185T, A208T.
Identifiers: ClinVar variation 3984032 (VCV003984032.2).

ClinVar aggregate classification (germline): Uncertain significance (1 of 4 stars; one submission).

Conditions:
Inborn genetic diseases. Identifiers: MedGen C0950123, MeSH D030342.

Submission:

Ambry Genetics
Classification: Uncertain significance for Inborn genetic diseases. Last evaluated: 2025-08-25. Review status: criteria provided, single submitter. Criteria: Ambry Variant Classification Scheme 2023. Collection method: clinical testing. Allele origin: germline.
Comment: The c.622G>A (p.A208T) alteration is located in exon 5 (coding exon 5) of the ZC4H2 gene. This alteration results from a G to A substitution at nucleotide position 622, causing the alanine (A) at amino acid position 208 to be replaced by a threonine (T). This variant was not reported in population-based cohorts in the Genome Aggregation Database (gnomAD). This amino acid position is highly conserved in available vertebrate species. This missense alteration is located in a region that has a low rate of benign missense variation (Lek, 2016; Firth, 2009). This alteration is predicted to be deleterious by in silico analysis. Based on insufficient or conflicting evidence, the clinical significance of this alteration remains unclear.